The following is an entry in ClinVar:

ClinVar aggregate classification (germline): Uncertain significance (1 of 4 stars; one submission).

Conditions:
Capillary malformation-arteriovenous malformation syndrome. Also called: Capillary malformation-arteriovenous malformation. Identifiers: Orphanet 137667, MedGen C1842180, MONDO:0012016.

Allele frequency attached by ClinVar (database versions not stated): gnomAD exomes 0.00004 and 0.00003; gnomAD 0.00005 and 0.00004; ExAC 0.00001; TOPMed 0.00005.
gnomAD v4.1: 60 of 1,613,450 alleles (0.0037%); highest among the groups gnomAD compares: Admixed American, 0.013%; 2 homozygotes.

Submission:

Labcorp Genetics (formerly Invitae), Labcorp
Classification: Uncertain significance for Capillary malformation-arteriovenous malformation syndrome. Last evaluated: 2025-03-09. Review status: criteria provided, single submitter. Criteria: Invitae Variant Classification Sherloc (09022015). Collection method: clinical testing. Allele origin: germline.
Comment: This sequence change replaces arginine, which is basic and polar, with tryptophan, which is neutral and slightly polar, at codon 579 of the RASA1 protein (p.Arg579Trp). This variant is present in population databases (rs770599456, gnomAD 0.01%), including at least one homozygous and/or hemizygous individual. This variant has not been reported in the literature in individuals affected with RASA1-related conditions. ClinVar contains an entry for this variant (Variation ID: 1411806). An algorithm developed to predict the effect of missense changes on protein structure and function (PolyPhen-2) suggests that this variant is likely to be disruptive. In summary, the available evidence is currently insufficient to determine the role of this variant in disease. Therefore, it has been classified as a Variant of Uncertain Significance.

NM_002890.3(RASA1):c.1735C>T (p.Arg579Trp)

Genes: CCNH (cyclin H; minus strand), RASA1 (RAS p21 protein activator 1; plus strand). Cytogenetic location: 5q14.3.
Variant type: single nucleotide variant.
Coding change: c.1735C>T on transcript NM_002890.3 (MANE Select); coding-DNA position 1735, C replaced by T.
Protein change: p.Arg579Trp; replaces arginine 579 with tryptophan.
Molecular consequence: missense variant. On other transcripts: intron variant (1).
Genome position (GRCh38, 1-based): chr5:87,372,154, C>T. VCF-style: chr5-87372154-C-T. GRCh37 (hg19) VCF-style: chr5-86667971-C-T.
Other names: c.1204C>T, p.Arg402Trp (NM_022650.3); c.933+22890G>A (NM_001364075.2); short protein forms R402W, R579W.
Identifiers: ClinVar variation 1411806 (VCV001411806.6), dbSNP rs770599456, ClinGen allele CA3335832.